The following is an entry in ClinVar:

NM_003612.5(SEMA7A):c.1572C>T (p.Ser524=)

Gene: SEMA7A (semaphorin 7A (JohnMiltonHagen blood group); minus strand). Cytogenetic location: 15q24.1.
Variant type: single nucleotide variant.
Coding change: c.1572C>T on transcript NM_003612.5 (MANE Select); coding-DNA position 1572, C replaced by T.
Protein change: p.Ser524=; no amino-acid change (serine 524 retained).
Molecular consequence: synonymous variant.
Genome position (GRCh38, 1-based): chr15:74,411,561, G>A on the plus strand (C>T on the coding strand, the complement: SEMA7A is on the minus strand). VCF-style: chr15-74411561-G-A. GRCh37 (hg19) VCF-style: chr15-74703902-G-A.
Other names: c.1530C>T, p.Ser510= (NM_001146029.3); c.1077C>T, p.Ser359= (NM_001146030.3).
Identifiers: ClinVar variation 4980609 (VCV004980609.1).
Genomic context (GRCh38, chr15:74,411,561, plus strand): 5'-TCCCCCTCTCCCATGCCCACCTTCTCCCAGGGACGAGGGATCCCGGCCAACGTACCGTTC[G>A]GAGCTGTAGATGGAGATGCAGCGGCCTTGGTCCCAGCCGCAGTAGGGGTCTCGGGACATG-3'
Protein context (NP_003603.1, residues 514-534): DQGRCISIYS[Ser524=]ERSVLQSINP

ClinVar aggregate classification (germline): Likely benign (1 of 4 stars; one submission).

Conditions:
SEMA7A-related disorder. Also called: SEMA7A-related condition.

gnomAD v4.1: 67 of 1,569,306 alleles (0.0043%); highest among the groups gnomAD compares: African/African-American, 0.049%; no homozygotes.

Submission:

PreventionGenetics, part of Exact Sciences
Classification: Likely benign for SEMA7A-related condition. Last evaluated: 2026-06-15. Review status: criteria provided, single submitter. Criteria: ACMG Guidelines, 2015. Collection method: clinical testing. Allele origin: germline.
Comment: This variant is classified as likely benign based on ACMG/AMP sequence variant interpretation guidelines (Richards et al. 2015 PMID: 25741868, with internal and published modifications).